The following is an entry in ClinVar:

ClinVar aggregate classification (germline): Uncertain significance. Review status: criteria provided, multiple submitters, no conflicts (2 of 4 stars). 2 submissions from 2 submitters: Uncertain significance (2). Last evaluated 2025-11-20.

Conditions:
Ataxia-telangiectasia-like disorder (ATLD). Identifiers: MedGen C1858391, MONDO:0011457.
Hereditary cancer-predisposing syndrome. Also called: Neoplastic Syndromes, Hereditary; Tumor predisposition; Hereditary neoplastic syndrome; Hereditary Cancer Syndrome. Identifiers: Orphanet 140162, MedGen C0027672, MeSH D009386, MONDO:0015356.

Submissions (2):

Labcorp Genetics (formerly Invitae), Labcorp
Classification: Uncertain significance for Ataxia-telangiectasia-like disorder. Last evaluated: 2025-11-20. Review status: criteria provided, single submitter. Criteria: Invitae Variant Classification Sherloc (09022015). Collection method: clinical testing. Allele origin: germline.
Comment: This sequence change replaces isoleucine, which is neutral and non-polar, with valine, which is neutral and non-polar, at codon 143 of the MRE11 protein (p.Ile143Val). This variant is not present in population databases (gnomAD no frequency). This variant has not been reported in the literature in individuals affected with MRE11-related conditions. ClinVar contains an entry for this variant (Variation ID: 824749). An algorithm developed to predict the effect of missense changes on protein structure and function outputs the following: PolyPhen-2: "Benign". The valine amino acid residue is found in multiple mammalian species, which suggests that this missense change does not adversely affect protein function. In summary, the available evidence is currently insufficient to determine the role of this variant in disease. Therefore, it has been classified as a Variant of Uncertain Significance.

Ambry Genetics
Classification: Uncertain significance for Hereditary cancer-predisposing syndrome. Last evaluated: 2024-05-29. Review status: criteria provided, single submitter. Criteria: Ambry Variant Classification Scheme 2023. Collection method: clinical testing. Allele origin: germline.
Comment: The p.I143V variant (also known as c.427A>G), located in coding exon 5 of the MRE11A gene, results from an A to G substitution at nucleotide position 427. The isoleucine at codon 143 is replaced by valine, an amino acid with highly similar properties. This amino acid position is not well conserved in available vertebrate species. In addition, this alteration is predicted to be tolerated by in silico analysis. Since supporting evidence is limited at this time, the clinical significance of this alteration remains unclear.

NM_005591.4(MRE11):c.427A>G (p.Ile143Val)

Gene: MRE11 (MRE11 double strand break repair nuclease; minus strand). Cytogenetic location: 11q21.
Variant type: single nucleotide variant.
Coding change: c.427A>G on transcript NM_005591.4 (MANE Select); coding-DNA position 427, A replaced by G.
Protein change: p.Ile143Val; replaces isoleucine 143 with valine.
Molecular consequence: missense variant.
Genome position (GRCh38, 1-based): chr11:94,478,852, T>C on the plus strand (A>G on the coding strand, the complement: MRE11 is on the minus strand). VCF-style: chr11-94478852-T-C. GRCh37 (hg19) VCF-style: chr11-94212018-T-C.
Other names: c.427A>G, p.Ile143Val (NM_001330347.2, NM_005590.4); short protein forms I143V.
Identifiers: ClinVar variation 824749 (VCV000824749.11), dbSNP rs1591707277, ClinGen allele CA382377740.
Genomic context (GRCh38, chr11:94,478,852, plus strand): 5'-CTATCTTCTCCACAGACATTGAACGTCCAAAGTGATTTACAAATCCAGCACAACTTAAAA[T>C]GTCCAAGGCACAAAGTGCATCTGCCTATGCAAAATAATTTCAAAGAATGTTAGTGTGTAT-3'
Protein context (NP_005582.1, residues 133-153): TGADALCALD[Ile143Val]LSCAGFVNHF